The following continues an entry in ClinVar:

NM_000540.3(RYR1):c.7282G>A (p.Ala2428Thr)

Gene: RYR1. ClinVar aggregate classification (germline): Likely pathogenic; drug response. Likely pathogenic (1).

Submissions 12 to 24 of 24:

Institute of Human Genetics, University of Leipzig Medical Center
Classification: Pathogenic for Malignant hyperthermia, susceptibility to, 1. Last evaluated: 2025-06-20. Review status: criteria provided, single submitter. Criteria: ACMG Guidelines, 2015. Collection method: clinical testing. Allele origin: unknown. Inheritance: Autosomal dominant inheritance. Affected: yes. Not counted in ClinVar's aggregate classification.

Clinical Genomic Analysis (GENYSIS) Core, University of North Carolina at Chapel Hill
Classification: Likely pathogenic for Malignant hyperthermia, susceptibility to, 1. Last evaluated: 2025-03-13. Review status: criteria provided, single submitter. Criteria: ACMG Guidelines, 2015. Collection method: research. Allele origin: unknown. Observed: 1 heterozygote. Study: UNC Genetic Determinants of Neurological and Developmental Disorders (GDNDD) Study. Not counted in ClinVar's aggregate classification.
Comment: RYR1 c.7282G>A, p.(Ala2428Thr), is a missense variant predicted to alter a single amino acid in the encoded protein from an alanine to a threonine. As this variant has been reported to segregate with malignant hyperthermia in multiple affected families, and functional studies demonstrate that the c.7282G>A variant has a damaging effect on the protein product, the ClinGen Malignant Hyperthermia Susceptibility Variant Curation Expert Panel have classified it as likely pathogenic (ClinVar Accession: VCV000133193.47).

New York Genome Center
Classification: Likely pathogenic for Malignant hyperthermia, susceptibility to, 1. Last evaluated: 2025-02-21. Review status: criteria provided, single submitter. Criteria: NYGC Assertion Criteria 2020. Collection method: clinical testing. Allele origin: inherited. Observed: 1 variant allele, 1 heterozygote. Not counted in ClinVar's aggregate classification.
Comment: The heterozygous c.7282G>A p.(Ala2428Thr) variant in RYR1 has been deposited in ClinVar multiple times as Pathogenic or Likely Pathogenic [ClinVar ID: 133193], including by the ClinGen Malignant Hyperthermia Susceptibility Variant Curation Expert Panel. This variant has been published in multiple studies available in HGMD (ID: CM023446). The c.7278G>A variant has 0.000013 allele frequency (20 alt alleles, 0 homozygotes) in the gnomAD v4.1.0 database, suggesting it is not a common benign variant in the populations represented in that database. The c.7282G>A variant has been observed in multiple individuals who showed pathological muscle responses to in vitro contracture tests [PMID: 12059893, 16163667, 30236257]. The c.7282G>A variant in RYR1 is located in exon 45 of this 106-exon gene, and is predicted to replace a highly conserved alanine amino acid with threonine at position 2428. The p.Ala2428 amino acid resides within a known mutational hotspot in the RYR1 gene that spans from amino acid residues 2,101 to 2,458 [PMID: 21118704]. Cellular studies of the p.(Ala2428Thr) variant revealed increased sensitivity of caffeine induced calcium transport to levels comparable to other pathogenic RYR1 variants, when compared to WT RYR1 protein [PMID: 16163667]. Based on available evidence the heterozygous c.7282G>A, p.(Ala2428Thr) variant identified in RYR1 is classified as Likely Pathogenic.

Laboratory of Genetics, Children's Clinical University Hospital Latvia
Classification: Likely pathogenic. Last evaluated: 2025-02-16. Review status: criteria provided, single submitter. Criteria: ACMG Guidelines, 2015. Collection method: clinical testing. Allele origin: germline. Affected: yes. Not counted in ClinVar's aggregate classification.

CeGaT Center for Human Genetics Tuebingen
Classification: Likely pathogenic. Last evaluated: 2025-01-01. Review status: criteria provided, single submitter. Criteria: CeGaT Center For Human Genetics Tuebingen Variant Classification Criteria Version 2. Collection method: clinical testing. Allele origin: germline. Affected: yes. Observed: 4 variant alleles. Not counted in ClinVar's aggregate classification.
Comment: RYR1: PM1, PS3:Moderate, PS4:Moderate, PP3

All of Us Research Program, National Institutes of Health
Classification: Likely pathogenic for Malignant hyperthermia, susceptibility to, 1. Last evaluated: 2024-09-25. Review status: criteria provided, single submitter. Criteria: ACMG Guidelines, 2015. Collection method: clinical testing. Allele origin: germline. Inheritance: Autosomal dominant inheritance. Observed: 4 variant alleles, 4 heterozygotes. Not counted in ClinVar's aggregate classification.
Comment: The c.7282G>A (p.Ala2428Thr) variant of the RYR1 gene replaces alanine with threonine at codon 2428 of the RYR1 protein (p.Ala2428Thr). This missense change has been observed in more than 3 individuals with personal or family histories of a malignant hyperthermia reaction, positive in vitro contracture test (IVCT) or caffeine halothane contracture test (CHCT) (PMID: 12059893, 16163667, 30236257, 31301762). This variant segregates with malignant hyperthermia (MHS) in 2 individuals (PMID: 12059893). This missense variant is located in a mutational hot spot region that contributes to MHS (PMID: 21118704). A functional study in HEK293 cells shows an increased sensitivity to RYR1 agonists (PMID: 16163667). This variant has been identified in 1/282738 chromosomes in the general population by the Genome Aggregation Database (gnomAD). Computational prediction (REVEL= 0.85) suggests that this variant may have deleterious impact on protein structure and function. For these reasons, the c.7282G>A (p.Ala2428Thr) variant of RYR1 is classified as likely pathogenic.

This study involves interpretation of variants in research participants for the purpose of population health screening. Participant phenotype was not available at the time of variant classification. Additional details can be found in publication PMID: 35346344, PMCID: PMC8962531

Labcorp Genetics (formerly Invitae), Labcorp
Classification: Pathogenic for RYR1-related disorder. Last evaluated: 2024-06-25. Review status: criteria provided, single submitter. Criteria: Invitae Variant Classification Sherloc (09022015). Collection method: clinical testing. Allele origin: germline. Not counted in ClinVar's aggregate classification.
Comment: This sequence change replaces alanine, which is neutral and non-polar, with threonine, which is neutral and polar, at codon 2428 of the RYR1 protein (p.Ala2428Thr). This variant is present in population databases (rs193922809, gnomAD 0.003%). This missense change has been observed in individual(s) with malignant hyperthermia susceptibility (PMID: 12059893, 30236257). It has also been observed to segregate with disease in related individuals. ClinVar contains an entry for this variant (Variation ID: 133193). Advanced modeling of protein sequence and biophysical properties (such as structural, functional, and spatial information, amino acid conservation, physicochemical variation, residue mobility, and thermodynamic stability) has been performed at Invitae for this missense variant, however the output from this modeling did not meet the statistical confidence thresholds required to predict the impact of this variant on RYR1 protein function. Experimental studies have shown that this missense change affects RYR1 function (PMID: 16163667). For these reasons, this variant has been classified as Pathogenic.

Blueprint Genetics
Classification: Likely pathogenic for RYR1-related disorders. Last evaluated: 2024-02-27. Review status: criteria provided, single submitter. Criteria: ACMG Guidelines, 2015. Collection method: clinical testing. Allele origin: germline. Affected: yes. Observed: 1 variant allele. Not counted in ClinVar's aggregate classification.

MGZ Medical Genetics Center
Classification: Likely pathogenic for Malignant hyperthermia, susceptibility to, 1. Last evaluated: 2021-12-16. Review status: criteria provided, single submitter. Criteria: ACMG Guidelines, 2015. Collection method: clinical testing. Allele origin: germline. Affected: yes. Observed: 1 variant allele. Not counted in ClinVar's aggregate classification.
Comment: ACMG criteria applied: PS3_MOD, PS4_MOD, PM1, PP3_MOD

Fulgent Genetics
Classification: Likely pathogenic for Central core myopathy; Malignant hyperthermia, susceptibility to, 1; Congenital myopathy 4A, autosomal dominant; Congenital multicore myopathy with external ophthalmoplegia; King Denborough syndrome. Last evaluated: 2021-12-06. Review status: criteria provided, single submitter. Criteria: ACMG Guidelines, 2015. Collection method: clinical testing. Allele origin: unknown. Not counted in ClinVar's aggregate classification.

Human Genome Sequencing Center Clinical Lab, Baylor College of Medicine
Classification: Pathogenic for malignant hyperthermia susceptibility. Last evaluated: 2021-04-15. Review status: criteria provided, single submitter. Criteria: ACMG Guidelines, 2015. Collection method: clinical testing. Allele origin: unknown. Not counted in ClinVar's aggregate classification.
Comment: The c.7282G>A (p.Ala2428Thr) variant in the RYR1 gene is located in the central region of the RYR1 protein and has been reported in unrelated individuals and families with malignant hyperthermia (PMID: 12059893, 16163667, 30236257). It is present in 4/282738 alleles in gnomAD and is predicted to be deleterious by REVEL. In vitro functional studies showed an increased sensitivity to caffeine when the variant is expressed in HEK-293 cells (PMID: 16163667). Therefore, the c.7282G>A (p.Ala2428Thr) variant in the RYR1 gene is classified as pathogenic.

Revvity Omics, Revvity
Classification: Pathogenic. Last evaluated: 2019-01-09. Review status: criteria provided, single submitter. Criteria: ACMG Guidelines, 2015. Collection method: clinical testing. Allele origin: germline. Not counted in ClinVar's aggregate classification.

RYR1 database
No classification provided. Review status: no classification provided. Collection method: not provided. Allele origin: unknown. Not counted in ClinVar's aggregate classification.

Literature cited by the submitters: PubMed 12059893 (cited by 5 submitters); PubMed 16163667 (cited by 5 submitters); PubMed 30236257 (cited by 4 submitters); PubMed 21118704 (cited by All of Us Research Program, National Institutes of Health); PubMed 31301762 (cited by All of Us Research Program, National Institutes of Health).